The following is an entry in ClinVar:

NM_000530.8(MPZ):c.276G>A (p.Val92=)

Gene: MPZ (myelin protein zero; minus strand). Cytogenetic location: 1q23.3.
Variant type: single nucleotide variant.
Coding change: c.276G>A on transcript NM_000530.8 (MANE Select); coding-DNA position 276, G replaced by A.
Protein change: p.Val92=; no amino-acid change (valine 92 retained).
Molecular consequence: synonymous variant.
Genome position (GRCh38, 1-based): chr1:161,306,880, C>T on the plus strand (G>A on the coding strand, the complement: MPZ is on the minus strand). VCF-style: chr1-161306880-C-T. GRCh37 (hg19) VCF-style: chr1-161276670-C-T.
Other names: V102V; c.276G>A (LRG_256t1); c.276G>A, p.Val92= (NM_001315491.2).
Identifiers: ClinVar variation 14200 (VCV000014200.10), dbSNP rs1558154193, ClinGen allele CA421405275.
Genomic context (GRCh38, chr1:161,306,880, plus strand): 5'-AATGGAGCCATCCTTCCAGCGAGGGTCCCCTACCCACTGGATGCGCTCTTTGAAGGTCCC[C>T]ACCTCGTCAATGTAGGGTTGTCCCTTGGCATAGTGGAAGATCTATGAGGAATGAGGGGAA-3'
Protein context (NP_000521.2, residues 82-102): YAKGQPYIDE[Val92=]GTFKERIQWV

ClinVar aggregate classification (germline): Pathogenic. Review status: criteria provided, single submitter (1 of 4 stars). 3 submissions from 3 submitters: Pathogenic (1). 2 of the submissions do not count toward it. Last evaluated 2025-05-05.

Conditions:
Charcot-Marie-Tooth disease. Also called: Charcot-Marie-Tooth Hereditary Neuropathy; Charcot-Marie-Tooth Neuropathy. Identifiers: Orphanet 166, MedGen C0007959, MONDO:0015626.
Charcot-Marie-Tooth disease, type I (CMT1). Also called: Charcot-Marie-Tooth, Type 1; Charcot-Marie-Tooth disease type 1. Identifiers: Orphanet 65753, MedGen C0751036, MONDO:0019011.
Charcot-Marie-Tooth disease type 1B. Also called: Charcot-Marie-Tooth disease, type IB; Charcot-Marie-Tooth disease, demyelinating, type 1b; Hereditary motor and sensory neuropathy 1B; CHARCOT-MARIE-TOOTH DISEASE, AUTOSOMAL DOMINANT, WITH FOCALLY FOLDED MYELIN SHEATHS, TYPE 1B; CHARCOT-MARIE-TOOTH DISEASE, SLOW NERVE CONDUCTION TYPE, LINKED TO DUFFY; CHARCOT-MARIE-TOOTH NEUROPATHY, TYPE 1B. Identifiers: Orphanet 101082, MedGen C0270912, MONDO:0007307, OMIM 118200.

Submissions (3):

Labcorp Genetics (formerly Invitae), Labcorp
Classification: Pathogenic for Charcot-Marie-Tooth disease, type I. Last evaluated: 2025-05-05. Review status: criteria provided, single submitter. Criteria: Invitae Variant Classification Sherloc (09022015). Collection method: clinical testing. Allele origin: germline.
Comment: This sequence change affects codon 92 of the MPZ mRNA. It is a 'silent' change, meaning that it does not change the encoded amino acid sequence of the MPZ protein. This variant is not present in population databases (gnomAD no frequency). This variant has been observed in individuals with autosomal dominant Charcot-Marie-Tooth disease (PMID: 19475438; internal data). It has also been observed to segregate with disease in related individuals. Invitae Evidence Modeling of clinical and family history, age, sex, and reported ancestry of multiple individuals with this MPZ variant has been performed. This variant is expected to be pathogenic with a positive predictive value of at least 99%. This is a validated machine learning model that incorporates the clinical features of 13,236 individuals referred to our laboratory for MPZ testing. This variant is also known as c.306G>A, p.Val102Val. ClinVar contains an entry for this variant (Variation ID: 14200). Studies have shown that this variant alters mRNA splicing and is expected to lead to the loss of protein expression (PMID: 19475438). For these reasons, this variant has been classified as Pathogenic.

OMIM
Classification: Pathogenic for CHARCOT-MARIE-TOOTH DISEASE, TYPE 1B. Last evaluated: 2010-02-01. Review status: no assertion criteria provided. Collection method: literature only. Allele origin: germline. Not counted in ClinVar's aggregate classification.

Inherited Neuropathy Consortium
Classification: Uncertain significance for Charcot-Marie-Tooth disease. Review status: no assertion criteria provided. Collection method: literature only. Allele origin: germline. Affected: yes. Not counted in ClinVar's aggregate classification.

Literature cited by the submitters: PubMed 19475438 (cited by 3 submitters).